The following is an entry in ClinVar:

ClinVar aggregate classification (germline): Uncertain significance (1 of 4 stars; one submission).

Allele frequency attached by ClinVar (database versions not stated): gnomAD exomes 0.00008; TOPMed 0.00010; gnomAD 0.00011; ExAC 0.00018.
gnomAD v4.1: 147 of 1,613,998 alleles (0.0091%); highest among the groups gnomAD compares: Admixed American, 0.04%; no homozygotes.

Submission:

Labcorp Genetics (formerly Invitae), Labcorp
Classification: Uncertain significance. Last evaluated: 2022-03-04. Review status: criteria provided, single submitter. Criteria: Invitae Variant Classification Sherloc (09022015). Collection method: clinical testing. Allele origin: germline.
Comment: This sequence change replaces proline, which is neutral and non-polar, with leucine, which is neutral and non-polar, at codon 220 of the KIF14 protein (p.Pro220Leu). This variant is present in population databases (rs750228172, gnomAD 0.2%). This variant has not been reported in the literature in individuals affected with KIF14-related conditions. Algorithms developed to predict the effect of missense changes on protein structure and function output the following: SIFT: "Deleterious"; PolyPhen-2: "Benign"; Align-GVGD: "Class C0". The leucine amino acid residue is found in multiple mammalian species, which suggests that this missense change does not adversely affect protein function. In summary, the available evidence is currently insufficient to determine the role of this variant in disease. Therefore, it has been classified as a Variant of Uncertain Significance.

NM_014875.3(KIF14):c.659C>T (p.Pro220Leu)

Gene: KIF14 (kinesin family member 14; minus strand). Cytogenetic location: 1q32.1.
Variant type: single nucleotide variant.
Coding change: c.659C>T on transcript NM_014875.3 (MANE Select); coding-DNA position 659, C replaced by T.
Protein change: p.Pro220Leu; replaces proline 220 with leucine.
Molecular consequence: missense variant. On other transcripts: 5 prime UTR variant (1).
Genome position (GRCh38, 1-based): chr1:200,618,065, G>A on the plus strand (C>T on the coding strand, the complement: KIF14 is on the minus strand). VCF-style: chr1-200618065-G-A. GRCh37 (hg19) VCF-style: chr1-200587193-G-A.
Other names: c.-727C>T (NM_001305792.1); short protein forms P220L.
Identifiers: ClinVar variation 2069657 (VCV002069657.1), dbSNP rs750228172, ClinGen allele CA1317987.
Genomic context (GRCh38, chr1:200,618,065, plus strand): 5'-GTAGGTTTCGTTGTCAAGTGTCCTGATCTAACAACTTCAGTCTGACTCAGGGAAGCAATG[G>A]GTGGTCTATTACTTGAGTACTTAAGTGCAACATTTTCATTTGCTCTACTGGGGGCAGAAA-3'
Protein context (NP_055690.1, residues 210-230): VALKYSSNRP[Pro220Leu]IASLSQTEVV